The following is an entry in ClinVar:

ClinVar aggregate classification (germline): Uncertain significance (1 of 4 stars; one submission).

Allele frequency attached by ClinVar (database versions not stated): ExAC 0.00001; gnomAD exomes 0.00001 and 0.00002; gnomAD 0.00002; TOPMed 0.00003.
gnomAD v4.1: 35 of 1,613,148 alleles (0.0022%); highest among the groups gnomAD compares: Non-Finnish European, 0.0026%; no homozygotes.

Submission:

Labcorp Genetics (formerly Invitae), Labcorp
Classification: Uncertain significance. Last evaluated: 2025-08-19. Review status: criteria provided, single submitter. Criteria: Invitae Variant Classification Sherloc (09022015). Collection method: clinical testing. Allele origin: germline.
Comment: This sequence change replaces proline, which is neutral and non-polar, with leucine, which is neutral and non-polar, at codon 727 of the SCN3A protein (p.Pro727Leu). This variant is present in population databases (rs745450559, gnomAD 0.005%). This variant has not been reported in the literature in individuals affected with SCN3A-related conditions. ClinVar contains an entry for this variant (Variation ID: 1368279). Invitae Evidence Modeling of protein sequence and biophysical properties (such as structural, functional, and spatial information, amino acid conservation, physicochemical variation, residue mobility, and thermodynamic stability) has been performed for this missense variant. However, the output from this modeling did not meet the statistical confidence thresholds required to predict the impact of this variant on SCN3A protein function. In summary, the available evidence is currently insufficient to determine the role of this variant in disease. Therefore, it has been classified as a Variant of Uncertain Significance.

NM_006922.4(SCN3A):c.2180C>T (p.Pro727Leu)

Gene: SCN3A (sodium voltage-gated channel alpha subunit 3; minus strand). Cytogenetic location: 2q24.3.
Variant type: single nucleotide variant.
Coding change: c.2180C>T on transcript NM_006922.4 (MANE Select); coding-DNA position 2180, C replaced by T.
Protein change: p.Pro727Leu; replaces proline 727 with leucine.
Molecular consequence: missense variant.
Genome position (GRCh38, 1-based): chr2:165,138,090, G>A on the plus strand (C>T on the coding strand, the complement: SCN3A is on the minus strand). VCF-style: chr2-165138090-G-A. GRCh37 (hg19) VCF-style: chr2-165994600-G-A.
Other names: c.2033C>T, p.Pro678Leu (NM_001081676.2, NM_001081677.2); short protein forms P727L, P678L.
Identifiers: ClinVar variation 1368279 (VCV001368279.8), dbSNP rs745450559, ClinGen allele CA1938995.